The following is an entry in ClinVar:

ClinVar aggregate classification (germline): Uncertain significance (1 of 4 stars; one submission).

Allele frequency attached by ClinVar (database versions not stated): gnomAD exomes below 0.00001; TOPMed below 0.00001.
gnomAD v4.1: 1 of 1,611,420 alleles (0.000062%); highest among the groups gnomAD compares: Non-Finnish European, 0.000085%; no homozygotes.

Submission:

Labcorp Genetics (formerly Invitae), Labcorp
Classification: Uncertain significance. Last evaluated: 2023-10-13. Review status: criteria provided, single submitter. Criteria: Invitae Variant Classification Sherloc (09022015). Collection method: clinical testing. Allele origin: germline.
Comment: This sequence change replaces serine, which is neutral and polar, with asparagine, which is neutral and polar, at codon 563 of the AP3D1 protein (p.Ser563Asn). This variant is present in population databases (no rsID available, gnomAD 0.0009%). This variant has not been reported in the literature in individuals affected with AP3D1-related conditions. ClinVar contains an entry for this variant (Variation ID: 1345708). An algorithm developed to predict the effect of missense changes on protein structure and function (PolyPhen-2) suggests that this variant is likely to be disruptive. In summary, the available evidence is currently insufficient to determine the role of this variant in disease. Therefore, it has been classified as a Variant of Uncertain Significance.

NM_001261826.3(AP3D1):c.1688G>A (p.Ser563Asn)

Gene: AP3D1 (adaptor related protein complex 3 subunit delta 1; minus strand). Cytogenetic location: 19p13.3.
Variant type: single nucleotide variant.
Coding change: c.1688G>A on transcript NM_001261826.3 (MANE Select); coding-DNA position 1688, G replaced by A.
Protein change: p.Ser563Asn; replaces serine 563 with asparagine.
Molecular consequence: missense variant.
Genome position (GRCh38, 1-based): chr19:2,118,626, C>T on the plus strand (G>A on the coding strand, the complement: AP3D1 is on the minus strand). VCF-style: chr19-2118626-C-T. GRCh37 (hg19) VCF-style: chr19-2118625-C-T.
Other names: c.1688G>A, p.Ser563Asn (NM_001374799.1, NM_003938.8); short protein forms S563N.
Identifiers: ClinVar variation 1345708 (VCV001345708.8), dbSNP rs1397380747, ClinGen allele CA403220887.